The following is an entry in ClinVar:

ClinVar aggregate classification (germline): Uncertain significance (1 of 4 stars; one submission).

gnomAD v4.1: 1 of 1,614,134 alleles (0.000062%); highest among the groups gnomAD compares: Non-Finnish European, 0.000085%; no homozygotes.

Submission:

Labcorp Genetics (formerly Invitae), Labcorp
Classification: Uncertain significance. Last evaluated: 2025-09-17. Review status: criteria provided, single submitter. Criteria: Invitae Variant Classification Sherloc (09022015). Collection method: clinical testing. Allele origin: germline.
Comment: This sequence change replaces leucine, which is neutral and non-polar, with arginine, which is basic and polar, at codon 576 of the CNGA3 protein (p.Leu576Arg). This variant is not present in population databases (gnomAD no frequency). This variant has not been reported in the literature in individuals affected with CNGA3-related conditions. Invitae Evidence Modeling of protein sequence and biophysical properties (such as structural, functional, and spatial information, amino acid conservation, physicochemical variation, residue mobility, and thermodynamic stability) indicates that this missense variant is expected to disrupt CNGA3 protein function with a positive predictive value of 95%. In summary, the available evidence is currently insufficient to determine the role of this variant in disease. Therefore, it has been classified as a Variant of Uncertain Significance.

NM_001298.3(CNGA3):c.1727T>G (p.Leu576Arg)

Gene: CNGA3 (cyclic nucleotide gated channel subunit alpha 3; plus strand). Cytogenetic location: 2q11.2.
Variant type: single nucleotide variant.
Coding change: c.1727T>G on transcript NM_001298.3 (MANE Select); coding-DNA position 1727, T replaced by G.
Protein change: p.Leu576Arg; replaces leucine 576 with arginine.
Molecular consequence: missense variant.
Genome position (GRCh38, 1-based): chr2:98,396,897, T>G. VCF-style: chr2-98396897-T-G. GRCh37 (hg19) VCF-style: chr2-99013360-T-G.
Other names: c.1673T>G, p.Leu558Arg (NM_001079878.2); short protein forms L558R, L576R.
Identifiers: ClinVar variation 4800245 (VCV004800245.1).